The following is an entry in ClinVar:

NM_001287.6(CLCN7):c.2315T>G (p.Val772Gly)

Gene: CLCN7 (chloride voltage-gated channel 7; minus strand). Cytogenetic location: 16p13.3.
Variant type: single nucleotide variant.
Coding change: c.2315T>G on transcript NM_001287.6 (MANE Select); coding-DNA position 2315, T replaced by G.
Protein change: p.Val772Gly; replaces valine 772 with glycine.
Molecular consequence: missense variant.
Genome position (GRCh38, 1-based): chr16:1,447,022, A>C on the plus strand (T>G on the coding strand, the complement: CLCN7 is on the minus strand). VCF-style: chr16-1447022-A-C. GRCh37 (hg19) VCF-style: chr16-1497023-A-C.
Other names: c.2243T>G, p.Val748Gly (NM_001114331.3); short protein forms V748G, V772G.
Identifiers: ClinVar variation 4701668 (VCV004701668.1).
Genomic context (GRCh38, chr16:1,447,022, plus strand): 5'-GGAGCCCTGCACGGCATGCCTGCACCCCCACCGCCCCCGCTCACCTGATTGCGGTTGTCC[A>C]CCACCACCAGGTGCCGCAGGCCCAGGGCCCGGAACAGCTTGAACACCCGTGGGAGCGACG-3'
Protein context (NP_001278.1, residues 762-782): RALGLRHLVV[Val772Gly]DNRNQVVGLV

ClinVar aggregate classification (germline): Uncertain significance (1 of 4 stars; one submission).

gnomAD v4.1: 1 of 1,598,728 alleles (0.000063%); highest among the groups gnomAD compares: Admixed American, 0.0017%; no homozygotes.

Submission:

Labcorp Genetics (formerly Invitae), Labcorp
Classification: Uncertain significance. Last evaluated: 2025-11-11. Review status: criteria provided, single submitter. Criteria: Invitae Variant Classification Sherloc (09022015). Collection method: clinical testing. Allele origin: germline.
Comment: This sequence change replaces valine, which is neutral and non-polar, with glycine, which is neutral and non-polar, at codon 772 of the CLCN7 protein (p.Val772Gly). This variant is not present in population databases (gnomAD no frequency). This variant has not been reported in the literature in individuals affected with CLCN7-related conditions. Invitae Evidence Modeling of protein sequence and biophysical properties (such as structural, functional, and spatial information, amino acid conservation, physicochemical variation, residue mobility, and thermodynamic stability) indicates that this missense variant is expected to disrupt CLCN7 protein function with a positive predictive value of 95%. In summary, the available evidence is currently insufficient to determine the role of this variant in disease. Therefore, it has been classified as a Variant of Uncertain Significance.